The following is an entry in ClinVar:

ClinVar aggregate classification (germline): Pathogenic (1 of 4 stars; one submission).

Submission:

GeneDx
Classification: Pathogenic. Last evaluated: 2024-12-14. Review status: criteria provided, single submitter. Criteria: GeneDx Variant Classification Process June 2021. Collection method: clinical testing. Allele origin: germline. Affected: yes.
Comment: Nonsense variant predicted to result in protein truncation or nonsense mediated decay in a gene for which loss of function is a known mechanism of disease; Not observed at significant frequency in large population cohorts (gnomAD); Has not been previously published as pathogenic or benign to our knowledge

NM_198880.3(QRICH1):c.532C>T (p.Gln178Ter)

Gene: QRICH1 (glutamine rich 1; minus strand). Cytogenetic location: 3p21.31.
Variant type: single nucleotide variant.
Coding change: c.532C>T on transcript NM_198880.3 (MANE Select); coding-DNA position 532, C replaced by T.
Protein change: p.Gln178Ter; replaces glutamine 178 with a stop codon.
Molecular consequence: nonsense.
Genome position (GRCh38, 1-based): chr3:49,057,668, G>A on the plus strand (C>T on the coding strand, the complement: QRICH1 is on the minus strand). VCF-style: chr3-49057668-G-A. GRCh37 (hg19) VCF-style: chr3-49095101-G-A.
Other names: c.532C>T, p.Gln178Ter (NM_001320580.2, NM_001320581.2, NM_001320582.2 and 4 more transcripts); short protein forms Q178*.
Identifiers: ClinVar variation 3390657 (VCV003390657.1).